The following is an entry in ClinVar:

NM_018089.3(ANKZF1):c.1861_1863del (p.Gln621del)

Gene: ANKZF1 (ankyrin repeat and zinc finger peptidyl tRNA hydrolase 1; plus strand). Cytogenetic location: 2q35.
Variant type: Deletion.
Coding change: c.1861_1863del on transcript NM_018089.3 (MANE Select); coding-DNA positions 1861 to 1863, 3 bases deleted (CAG; older notation c.1861_1863delCAG).
Protein change: p.Gln621del; deletes glutamine 621.
Molecular consequence: inframe deletion.
Genome position (GRCh38, 1-based): chr2:219,235,765-219,235,767, CAG deleted; deleting any 3 consecutive bases within chr2:219,235,763-219,235,767 gives the same sequence; the c. name uses the placement nearest the transcript's 3' end. VCF-style (leftmost placement, unchanged base first): chr2-219235762-GAGC-G. GRCh37 (hg19) VCF-style: chr2-220100484-GAGC-G.
Other names: c.1861_1863del, p.Gln621del (NM_001042410.2); c.1231_1233del, p.Gln411del (NM_001282792.2); short protein forms Q411del, Q621del.
Identifiers: ClinVar variation 2969182 (VCV002969182.3), dbSNP rs1559259146, ClinGen allele CA539842151.

ClinVar aggregate classification (germline): Uncertain significance (1 of 4 stars; one submission).

Submission:

Labcorp Genetics (formerly Invitae), Labcorp
Classification: Uncertain significance. Last evaluated: 2023-08-28. Review status: criteria provided, single submitter. Criteria: Invitae Variant Classification Sherloc (09022015). Collection method: clinical testing. Allele origin: germline.
Comment: This variant, c.1861_1863del, results in the deletion of 1 amino acid(s) of the ANKZF1 protein (p.Gln621del), but otherwise preserves the integrity of the reading frame. This variant is present in population databases (no rsID available, gnomAD 0.002%). This variant has not been reported in the literature in individuals affected with ANKZF1-related conditions. Experimental studies and prediction algorithms are not available or were not evaluated, and the functional significance of this variant is currently unknown. In summary, the available evidence is currently insufficient to determine the role of this variant in disease. Therefore, it has been classified as a Variant of Uncertain Significance.